The following is an entry in ClinVar:

NM_170665.4(ATP2A2):c.137-12T>C

Gene: ATP2A2 (ATPase sarcoplasmic/endoplasmic reticulum Ca2+ transporting 2; plus strand). Cytogenetic location: 12q24.11.
Variant type: single nucleotide variant.
Coding change: c.137-12T>C on transcript NM_170665.4 (MANE Select); 12 bases into the intron before coding-DNA position 137, T replaced by C.
Molecular consequence: intron variant.
Genome position (GRCh38, 1-based): chr12:110,282,701, T>C. VCF-style: chr12-110282701-T-C. GRCh37 (hg19) VCF-style: chr12-110720506-T-C.
Other names: c.137-12T>C (NM_001681.4).
Identifiers: ClinVar variation 307162 (VCV000307162.9), dbSNP rs376032579, ClinGen allele CA6783616.
Genomic context (GRCh38, chr12:110,282,701, plus strand): 5'-TCTGTTTTTTTTCCTCTGTTGGTGTGCTGATGGTAAGATGACAGTTAAAACACATGTGTT[T>C]GTTTCTTACAGGAAAAACCTTGCTGGAACTTGTGATTGAGCAGTTTGAAGACTTGCTAGT-3'

ClinVar aggregate classification (germline): Benign. Review status: criteria provided, multiple submitters, no conflicts (2 of 4 stars). 2 submissions from 2 submitters: Benign (2). Last evaluated 2025-01-06.

Conditions:
Keratosis follicularis (DAR). Also called: Darier disease; Darier's disease. Identifiers: Orphanet 218, MedGen C0022595, MONDO:0007417, OMIM 124200.

Allele frequency attached by ClinVar (database versions not stated): ESP Exome Variant Server 0.00008; TOPMed 0.00016; gnomAD 0.00019 and 0.00022; gnomAD exomes 0.00032 and 0.00040; ExAC 0.00040; 1000 Genomes Project 0.00060; 1000 Genomes Project 30x 0.00062.
gnomAD v4.1: 610 of 1,614,134 alleles (0.038%); highest among the groups gnomAD compares: South Asian, 0.23%; 5 homozygotes.

Submissions (2):

Labcorp Genetics (formerly Invitae), Labcorp
Classification: Benign. Last evaluated: 2025-01-06. Review status: criteria provided, single submitter. Criteria: Invitae Variant Classification Sherloc (09022015). Collection method: clinical testing. Allele origin: germline.

Illumina Laboratory Services, Illumina
Classification: Benign for Keratosis follicularis. Last evaluated: 2018-01-13. Review status: criteria provided, single submitter. Criteria: ICSL Variant Classification Criteria 13 December 2019. Collection method: clinical testing. Allele origin: germline.
Comment: This variant was observed in the ICSL laboratory as part of a predisposition screen in an ostensibly healthy population. It had not been previously curated by ICSL or reported in the Human Gene Mutation Database (HGMD: prior to June 1st, 2018), and was therefore a candidate for classification through an automated scoring system. Utilizing variant allele frequency, disease prevalence and penetrance estimates, and inheritance mode, an automated score was calculated to assess if this variant is too frequent to cause the disease. Based on the score and internal cut-off values, a variant classified as benign is not then subjected to further curation. The score for this variant resulted in a classification of benign for this disease.